The following is an entry in ClinVar:

NM_000260.4(MYO7A):c.4075G>A (p.Glu1359Lys)

Gene: MYO7A (myosin VIIA; plus strand). Cytogenetic location: 11q13.5.
Variant type: single nucleotide variant.
Coding change: c.4075G>A on transcript NM_000260.4 (MANE Select); coding-DNA position 4075, G replaced by A.
Protein change: p.Glu1359Lys; replaces glutamic acid 1359 with lysine.
Molecular consequence: missense variant.
Genome position (GRCh38, 1-based): chr11:77,192,201, G>A. VCF-style: chr11-77192201-G-A. GRCh37 (hg19) VCF-style: chr11-76903246-G-A.
Other names: c.4075G>A, p.Glu1359Lys (NM_001127180.2); c.4042G>A, p.Glu1348Lys (NM_001369365.1); short protein forms E1348K, E1359K.
Identifiers: ClinVar variation 1052193 (VCV001052193.4), dbSNP rs753672693, ClinGen allele CA224846294.

ClinVar aggregate classification (germline): Uncertain significance. Review status: criteria provided, multiple submitters, no conflicts (2 of 4 stars). 3 submissions from 3 submitters: Uncertain significance (2). 1 of the submissions does not count toward it. Last evaluated 2024-10-18.

Conditions:
Usher syndrome type 1B (USH1B). Also called: Usher syndrome type IB. Identifiers: MedGen C1848638, MONDO:0700087.

gnomAD v4.1: 5 of 1,613,930 alleles (0.00031%); highest among the groups gnomAD compares: Non-Finnish European, 0.00042%; no homozygotes.

Submissions (3):

Blueprint Genetics
Classification: Uncertain significance. Last evaluated: 2024-10-18. Review status: criteria provided, single submitter. Criteria: ACMG Guidelines, 2015. Collection method: clinical testing. Allele origin: germline.

Labcorp Genetics (formerly Invitae), Labcorp
Classification: Uncertain significance. Last evaluated: 2021-09-01. Review status: criteria provided, single submitter. Criteria: Invitae Variant Classification Sherloc (09022015). Collection method: clinical testing. Allele origin: germline.
Comment: This sequence change replaces glutamic acid with lysine at codon 1359 of the MYO7A protein (p.Glu1359Lys). The glutamic acid residue is moderately conserved and there is a small physicochemical difference between glutamic acid and lysine. This variant is not present in population databases (ExAC no frequency). This variant has not been reported in the literature in individuals affected with MYO7A-related conditions. Algorithms developed to predict the effect of missense changes on protein structure and function are either unavailable or do not agree on the potential impact of this missense change (SIFT: "Tolerated"; PolyPhen-2: "Possibly Damaging"; Align-GVGD: "Class C0"). In summary, the available evidence is currently insufficient to determine the role of this variant in disease. Therefore, it has been classified as a Variant of Uncertain Significance.

Natera, Inc.
Classification: Uncertain significance for Usher syndrome type 1B. Last evaluated: 2020-01-18. Review status: no assertion criteria provided. Collection method: clinical testing. Allele origin: germline. Not counted in ClinVar's aggregate classification.